The following is an entry in ClinVar:

ClinVar aggregate classification (germline): Uncertain significance (1 of 4 stars; one submission).

Conditions:
Alagille syndrome due to a JAG1 point mutation. Also called: HEPATIC DUCTULAR HYPOPLASIA, SYNDROMATIC; Alagille Syndrome 1; JAG1-Related Alagille Syndrome. Identifiers: Orphanet 261619, Orphanet 52, MedGen C1956125, MONDO:0016862, OMIM 118450.

Submission:

Labcorp Genetics (formerly Invitae), Labcorp
Classification: Uncertain significance for Alagille syndrome due to a JAG1 point mutation. Last evaluated: 2020-04-18. Review status: criteria provided, single submitter. Criteria: Invitae Variant Classification Sherloc (09022015). Collection method: clinical testing. Allele origin: germline.
Comment: This variant results in a copy number gain of the genomic region encompassing the full coding sequence of the JAG1 gene. The boundaries of this event are unknown as they extend beyond the assayed region for this gene and therefore may encompass additional genes. As the precise location of this event is unknown, it may be in tandem or it may be located elsewhere in the genome. This variant has not been reported in the literature in individuals with JAG1-related conditions. Experimental studies and prediction algorithms are not available or were not evaluated, and the functional significance of this variant is currently unknown. In summary, the available evidence is currently insufficient to determine the role of this variant in disease. Therefore, it has been classified as a Variant of Uncertain Significance.

NC_000020.10:g.(?_10579323)_(11009878_?)dup

Genes: JAG1 (jagged canonical Notch ligand 1; minus strand), SLX4IP (SLX4 interacting protein; plus strand). Cytogenetic location: 20p12.2.
Variant type: Duplication.
Identifiers: ClinVar variation 1035221 (VCV001035221.1).